The following is an entry in ClinVar:

ClinVar aggregate classification (germline): Pathogenic (1 of 4 stars; one submission).

Submission:

Labcorp Genetics (formerly Invitae), Labcorp
Classification: Pathogenic. Last evaluated: 2022-08-01. Review status: criteria provided, single submitter. Criteria: Invitae Variant Classification Sherloc (09022015). Collection method: clinical testing. Allele origin: germline.
Comment: This sequence change creates a premature translational stop signal (p.Glu378Glyfs*46) in the CACNA1F gene. It is expected to result in an absent or disrupted protein product. Loss-of-function variants in CACNA1F are known to be pathogenic (PMID: 9662399, 11281458, 17525176, 22194652, 24124559, 26992781). This variant is not present in population databases (gnomAD no frequency). This variant has not been reported in the literature in individuals affected with CACNA1F-related conditions. For these reasons, this variant has been classified as Pathogenic.

Literature cited by the submitters: PubMed 9662399; PubMed 11281458; PubMed 17525176; PubMed 22194652; PubMed 24124559; PubMed 26992781.

NM_001256789.3(CACNA1F):c.1130dup (p.Glu378fs)

Gene: CACNA1F (calcium voltage-gated channel subunit alpha1 F; minus strand). Cytogenetic location: Xp11.23.
Variant type: Duplication.
Coding change: c.1130dup on transcript NM_001256789.3 (MANE Select); coding-DNA position 1130, one base duplicated (A; older notation c.1130dupA).
Protein change: p.Glu378fs; shifts the reading frame from glutamic acid 378.
Molecular consequence: frameshift variant.
Genome position (GRCh38, 1-based): chrX:49,227,116, T duplicated on the plus strand (A on the coding strand, the reverse complement: CACNA1F is on the minus strand); the first of 2 consecutive T bases (chrX:49,227,116-49,227,117); duplicating either gives the same sequence. VCF-style (leftmost placement, unchanged base first): chrX-49227115-C-CT. GRCh37 (hg19) VCF-style: chrX-49083577-C-CT.
Other names: c.935dup, p.Glu313fs (NM_001256790.3); c.1130dup, p.Glu378fs (NM_005183.4); short protein forms E313fs, E378fs.
Identifiers: ClinVar variation 2115332 (VCV002115332.4), dbSNP rs2519128471, ClinGen allele CA2580101156.